The following is an entry in ClinVar:

NM_004304.5(ALK):c.1184G>A (p.Arg395His)

Gene: ALK (ALK receptor tyrosine kinase; minus strand). Cytogenetic location: 2p23.2.
Variant type: single nucleotide variant.
Coding change: c.1184G>A on transcript NM_004304.5 (MANE Select); coding-DNA position 1184, G replaced by A.
Protein change: p.Arg395His; replaces arginine 395 with histidine.
Molecular consequence: missense variant.
Genome position (GRCh38, 1-based): chr2:29,383,830, C>T on the plus strand (G>A on the coding strand, the complement: ALK is on the minus strand). VCF-style: chr2-29383830-C-T. GRCh37 (hg19) VCF-style: chr2-29606696-C-T.
Other names: short protein forms R395H.
Identifiers: ClinVar variation 470740 (VCV000470740.19), dbSNP rs769910087, ClinGen allele CA1594726.

ClinVar aggregate classification (germline): Conflicting classifications of pathogenicity. Review status: criteria provided, conflicting classifications (1 of 4 stars). 8 submissions from 8 submitters: Uncertain significance (6); Likely benign (2). Last evaluated 2026-01-22.

Conditions:
Neuroblastoma, susceptibility to, 3. Also called: ALK-Related Neuroblastic Tumor Susceptibility. Identifiers: Orphanet 635, MedGen C2751681, MONDO:0013083, OMIM 613014.
Hereditary cancer-predisposing syndrome. Also called: Hereditary neoplastic syndrome; Neoplastic Syndromes, Hereditary; Tumor predisposition; Hereditary Cancer Syndrome. Identifiers: Orphanet 140162, MedGen C0027672, MeSH D009386, MONDO:0015356.

Allele frequency attached by ClinVar (database versions not stated): ExAC 0.00002; TOPMed 0.00003; gnomAD exomes 0.00004 and 0.00008; gnomAD 0.00005 and 0.00006.
gnomAD v4.1: 127 of 1,613,976 alleles (0.0079%); highest among the groups gnomAD compares: South Asian, 0.0099%; no homozygotes.

Submissions (8):

Labcorp Genetics (formerly Invitae), Labcorp
Classification: Uncertain significance for Neuroblastoma, susceptibility to, 3. Last evaluated: 2026-01-22. Review status: criteria provided, single submitter. Criteria: Invitae Variant Classification Sherloc (09022015). Collection method: clinical testing. Allele origin: germline.
Comment: This sequence change replaces arginine, which is basic and polar, with histidine, which is basic and polar, at codon 395 of the ALK protein (p.Arg395His). This variant is present in population databases (rs769910087, gnomAD 0.008%). This variant has not been reported in the literature in individuals affected with ALK-related conditions. ClinVar contains an entry for this variant (Variation ID: 470740). An algorithm developed to predict the effect of missense changes on protein structure and function outputs the following: PolyPhen-2: "Benign". The histidine amino acid residue is found in multiple mammalian species, which suggests that this missense change does not adversely affect protein function. In summary, the available evidence is currently insufficient to determine the role of this variant in disease. Therefore, it has been classified as a Variant of Uncertain Significance.

Ambry Genetics
Classification: Likely benign for Hereditary cancer-predisposing syndrome. Last evaluated: 2024-12-07. Review status: criteria provided, single submitter. Criteria: Ambry Variant Classification Scheme 2023. Collection method: clinical testing. Allele origin: germline.

Baylor Genetics
Classification: Uncertain significance for Neuroblastoma, susceptibility to, 3. Last evaluated: 2024-03-21. Review status: criteria provided, single submitter. Criteria: ACMG Guidelines, 2015. Collection method: clinical testing. Allele origin: unknown.

GeneDx
Classification: Uncertain significance. Last evaluated: 2023-10-04. Review status: criteria provided, single submitter. Criteria: GeneDx Variant Classification Process June 2021. Collection method: clinical testing. Allele origin: germline. Affected: yes.
Comment: In silico analysis supports that this missense variant does not alter protein structure/function; Has not been previously published as pathogenic or benign to our knowledge; This variant is associated with the following publications: (PMID: 29617658, 35865984)

St. Jude Molecular Pathology, St. Jude Children's Research Hospital
Classification: Uncertain significance for Neuroblastoma, susceptibility to, 3. Last evaluated: 2022-08-15. Review status: criteria provided, single submitter. Criteria: St. Jude Assertion Criteria 2020. Collection method: clinical testing. Allele origin: germline.
Comment: The ALK c.1184G>A (p.Arg395His) missense change has a maximum subpopulation frequency of 0.0080% in gnomAD v2.1.1. The in silico tool REVEL predicts a benign effect on protein function, but to our knowledge this prediction has not been confirmed by functional studies. To our knowledge, this variant has not been reported in the literature in individuals with ALK-related neuroblastic tumor susceptibility. In summary, the evidence currently available is insufficient to determine the clinical significance of this variant. It has therefore been classified as of uncertain significance.

Sema4
Classification: Likely benign for Hereditary cancer-predisposing syndrome. Last evaluated: 2021-09-30. Review status: criteria provided, single submitter. Criteria: Sema4 Curation Guidelines. Collection method: curation. Allele origin: germline.

Revvity Omics, Revvity
Classification: Uncertain significance. Last evaluated: 2019-05-01. Review status: criteria provided, single submitter. Criteria: ACMG Guidelines, 2015. Collection method: clinical testing. Allele origin: germline.

Fulgent Genetics
Classification: Uncertain significance for Neuroblastoma, susceptibility to, 3. Last evaluated: 2018-10-31. Review status: criteria provided, single submitter. Criteria: ACMG Guidelines, 2015. Collection method: clinical testing. Allele origin: unknown.